The following is an entry in ClinVar:

ClinVar aggregate classification (germline): Uncertain significance. Review status: criteria provided, multiple submitters, no conflicts (2 of 4 stars). 2 submissions from 2 submitters: Uncertain significance (2). Last evaluated 2025-06-18.

Conditions:
Brachyolmia-amelogenesis imperfecta syndrome. Also called: Tooth agenesis, selective, 6; Dental anomalies and short stature; PLATYSPONDYLY WITH AMELOGENESIS IMPERFECTA. Identifiers: Orphanet 2899, MedGen C1832594, MONDO:0011018, OMIM 601216. Disease mechanism: loss of function.
Inborn genetic diseases. Identifiers: MedGen C0950123, MeSH D030342.

Allele frequency attached by ClinVar (database versions not stated): ExAC 0.00003; TOPMed 0.00001.
gnomAD v4.1: 3 of 1,566,854 alleles (0.00019%); highest among the groups gnomAD compares: African/African-American, 0.0027%; no homozygotes.

Submissions (2):

Ambry Genetics
Classification: Uncertain significance for Inborn genetic diseases. Last evaluated: 2025-06-18. Review status: criteria provided, single submitter. Criteria: Ambry Variant Classification Scheme 2023. Collection method: clinical testing. Allele origin: germline.

Labcorp Genetics (formerly Invitae), Labcorp
Classification: Uncertain significance for Brachyolmia-amelogenesis imperfecta syndrome. Last evaluated: 2025-05-27. Review status: criteria provided, single submitter. Criteria: Invitae Variant Classification Sherloc (09022015). Collection method: clinical testing. Allele origin: germline.
Comment: This sequence change replaces proline, which is neutral and non-polar, with arginine, which is basic and polar, at codon 261 of the LTBP3 protein (p.Pro261Arg). The frequency data for this variant in the population databases is considered unreliable, as metrics indicate poor data quality at this position in the gnomAD database. This variant has not been reported in the literature in individuals affected with LTBP3-related conditions. ClinVar contains an entry for this variant (Variation ID: 2863719). An algorithm developed to predict the effect of missense changes on protein structure and function (PolyPhen-2) suggests that this variant is likely to be tolerated. In summary, the available evidence is currently insufficient to determine the role of this variant in disease. Therefore, it has been classified as a Variant of Uncertain Significance.

NM_001130144.3(LTBP3):c.782C>G (p.Pro261Arg)

Gene: LTBP3 (latent transforming growth factor beta binding protein 3; minus strand). Cytogenetic location: 11q13.1.
Variant type: single nucleotide variant.
Coding change: c.782C>G on transcript NM_001130144.3 (MANE Select); coding-DNA position 782, C replaced by G.
Protein change: p.Pro261Arg; replaces proline 261 with arginine.
Molecular consequence: missense variant.
Genome position (GRCh38, 1-based): chr11:65,553,783, G>C on the plus strand (C>G on the coding strand, the complement: LTBP3 is on the minus strand). VCF-style: chr11-65553783-G-C. GRCh37 (hg19) VCF-style: chr11-65321254-G-C.
Other names: c.431C>G, p.Pro144Arg (NM_001164266.1); c.782C>G, p.Pro261Arg (NM_021070.4); c.782C>G (NM_001130144.2); short protein forms P144R, P261R.
Identifiers: ClinVar variation 2863719 (VCV002863719.4), dbSNP rs765178350, ClinGen allele CA6101161.